The following is an entry in ClinVar:

ClinVar aggregate classification (germline): Uncertain significance (1 of 4 stars; one submission).

Conditions:
Hereditary cancer-predisposing syndrome. Also called: Tumor predisposition; Hereditary neoplastic syndrome; Neoplastic Syndromes, Hereditary; Hereditary Cancer Syndrome. Identifiers: Orphanet 140162, MedGen C0027672, MeSH D009386, MONDO:0015356.

Submission:

Ambry Genetics
Classification: Uncertain significance for Hereditary cancer-predisposing syndrome. Last evaluated: 2023-04-16. Review status: criteria provided, single submitter. Criteria: Ambry Variant Classification Scheme 2023. Collection method: clinical testing. Allele origin: germline.
Comment: The p.I470M variant (also known as c.1410T>G), located in coding exon 12 of the MRE11A gene, results from a T to G substitution at nucleotide position 1410. The isoleucine at codon 470 is replaced by methionine, an amino acid with highly similar properties. This amino acid position is highly conserved in available vertebrate species. In addition, the in silico prediction for this alteration is inconclusive. Since supporting evidence is limited at this time, the clinical significance of this alteration remains unclear.

NM_005591.4(MRE11):c.1410T>G (p.Ile470Met)

Gene: MRE11 (MRE11 double strand break repair nuclease; minus strand). Cytogenetic location: 11q21.
Variant type: single nucleotide variant.
Coding change: c.1410T>G on transcript NM_005591.4 (MANE Select); coding-DNA position 1410, T replaced by G.
Protein change: p.Ile470Met; replaces isoleucine 470 with methionine.
Molecular consequence: missense variant.
Genome position (GRCh38, 1-based): chr11:94,459,498, A>C on the plus strand (T>G on the coding strand, the complement: MRE11 is on the minus strand). VCF-style: chr11-94459498-A-C. GRCh37 (hg19) VCF-style: chr11-94192664-A-C.
Other names: c.1410T>G, p.Ile470Met (NM_001330347.2, NM_005590.4); short protein forms I470M.
Identifiers: ClinVar variation 819160 (VCV000819160.5), dbSNP rs1555009352, ClinGen allele CA382371876.